The following is an entry in ClinVar:

NM_001291088.2(WDR87):c.2420G>A (p.Arg807Gln)

Gene: WDR87 (WD repeat domain 87; minus strand). Cytogenetic location: 19q13.13.
Variant type: single nucleotide variant.
Coding change: c.2420G>A on transcript NM_001291088.2 (MANE Select); coding-DNA position 2420, G replaced by A.
Protein change: p.Arg807Gln; replaces arginine 807 with glutamine.
Molecular consequence: missense variant.
Genome position (GRCh38, 1-based): chr19:37,893,283, C>T on the plus strand (G>A on the coding strand, the complement: WDR87 is on the minus strand). VCF-style: chr19-37893283-C-T. GRCh37 (hg19) VCF-style: chr19-38383923-C-T.
Other names: c.2303G>A, p.Arg768Gln (NM_031951.5); short protein forms R807Q, R768Q.
Identifiers: ClinVar variation 2293495 (VCV002293495.4), dbSNP rs766978784, ClinGen allele CA9408811.

ClinVar aggregate classification (germline): Uncertain significance. Review status: criteria provided, multiple submitters, no conflicts (2 of 4 stars). 2 submissions from 2 submitters: Uncertain significance (2). Last evaluated 2025-10-29.

Allele frequency attached by ClinVar (database versions not stated): gnomAD 0.00003; ExAC 0.00018.

Submissions (2):

Ambry Genetics
Classification: Uncertain significance. Last evaluated: 2025-10-29. Review status: criteria provided, single submitter. Criteria: Ambry Variant Classification Scheme 2023. Collection method: clinical testing. Allele origin: germline.

Labcorp Genetics (formerly Invitae), Labcorp
Classification: Uncertain significance. Last evaluated: 2025-07-08. Review status: criteria provided, single submitter. Criteria: Invitae Variant Classification Sherloc (09022015). Collection method: clinical testing. Allele origin: germline.
Comment: This sequence change replaces arginine, which is basic and polar, with glutamine, which is neutral and polar, at codon 768 of the WDR87 protein (p.Arg768Gln). This variant is present in population databases (rs766978784, gnomAD 0.08%), and has an allele count higher than expected for a pathogenic variant. This variant has not been reported in the literature in individuals affected with WDR87-related conditions. ClinVar contains an entry for this variant (Variation ID: 2293495). An algorithm developed to predict the effect of missense changes on protein structure and function outputs the following: PolyPhen-2: "Benign". The glutamine amino acid residue is found in multiple mammalian species, which suggests that this missense change does not adversely affect protein function. In summary, the available evidence is currently insufficient to determine the role of this variant in disease. Therefore, it has been classified as a Variant of Uncertain Significance.